The following is an entry in ClinVar:

NM_001008212.2(OPTN):c.76C>G (p.His26Asp)

Genes: OPTN (optineurin; plus strand), LOC108903148 (10p13 OPTN distal Alu-mediated recombination region; plus strand). Cytogenetic location: 10p13.
Variant type: single nucleotide variant.
Coding change: c.76C>G on transcript NM_001008212.2 (MANE Select); coding-DNA position 76, C replaced by G.
Protein change: p.His26Asp; replaces histidine 26 with aspartic acid.
Molecular consequence: missense variant.
Genome position (GRCh38, 1-based): chr10:13,109,198, C>G. VCF-style: chr10-13109198-C-G. GRCh37 (hg19) VCF-style: chr10-13151198-C-G.
Other names: c.76C>G, p.His26Asp (NM_001008211.1, NM_001008213.1, NM_021980.4); short protein forms H26D.
Identifiers: ClinVar variation 1930237 (VCV001930237.5), dbSNP rs200710076, ClinGen allele CA5410505.

ClinVar aggregate classification (germline): Uncertain significance (1 of 4 stars; one submission).

Conditions:
Primary open angle glaucoma (POAG). Also called: OPTN-related open angle glaucoma. Identifiers: MedGen C0339573, MONDO:0100553, OMIM 137760.
Amyotrophic lateral sclerosis type 12 (ALS12). Also called: AMYOTROPHIC LATERAL SCLEROSIS 12 WITH OR WITHOUT FRONTOTEMPORAL DEMENTIA. Identifiers: Orphanet 803, MedGen C3150692, MONDO:0013264, OMIM 613435.
Glaucoma 1, open angle, E. Identifiers: MedGen C1842026, MONDO:0007665.

Allele frequency attached by ClinVar (database versions not stated): 1000 Genomes Project 30x 0.00016.
gnomAD v4.1: 25 of 1,613,994 alleles (0.0015%); highest among the groups gnomAD compares: East Asian, 0.013%; no homozygotes.

Submission:

Labcorp Genetics (formerly Invitae), Labcorp
Classification: Uncertain significance for Primary open angle glaucoma; Glaucoma 1, open angle, E; Amyotrophic lateral sclerosis type 12. Last evaluated: 2023-01-17. Review status: criteria provided, single submitter. Criteria: Invitae Variant Classification Sherloc (09022015). Collection method: clinical testing. Allele origin: germline.
Comment: Experimental studies have shown that this missense change does not substantially affect OPTN function (PMID: 17389490, 19672125, 24983867). In summary, the available evidence is currently insufficient to determine the role of this variant in disease. Therefore, it has been classified as a Variant of Uncertain Significance. Algorithms developed to predict the effect of missense changes on protein structure and function (SIFT, PolyPhen-2, Align-GVGD) all suggest that this variant is likely to be tolerated. This missense change has been observed in individual(s) with OPTN-related conditions (PMID: 15226658, 15557444, 16972651). This variant is present in population databases (rs200710076, gnomAD 0.01%). This sequence change replaces histidine, which is basic and polar, with aspartic acid, which is acidic and polar, at codon 26 of the OPTN protein (p.His26Asp).

Literature cited by the submitters: PubMed 17389490; PubMed 19672125; PubMed 24983867; PubMed 15226658; PubMed 15557444; PubMed 16972651.